The following is an entry in ClinVar:

ClinVar aggregate classification (germline): Uncertain significance (1 of 4 stars; one submission).

Conditions:
Pulmonary fibrosis and/or bone marrow failure, Telomere-related, 3. Also called: PULMONARY FIBROSIS AND/OR BONE MARROW FAILURE SYNDROME, TELOMERE-RELATED, 3. Identifiers: Orphanet 2032, MedGen C4225346, MONDO:0014613, OMIM 616373.
Dyskeratosis congenita, autosomal recessive 5 (DKCB5). Identifiers: MedGen C3554656, MONDO:0014076, OMIM 615190.

Submission:

Labcorp Genetics (formerly Invitae), Labcorp
Classification: Uncertain significance for Dyskeratosis congenita, autosomal recessive 5; Pulmonary fibrosis and/or bone marrow failure, Telomere-related, 3. Last evaluated: 2022-09-08. Review status: criteria provided, single submitter. Criteria: Invitae Variant Classification Sherloc (09022015). Collection method: clinical testing. Allele origin: germline.
Comment: Algorithms developed to predict the effect of missense changes on protein structure and function output the following: SIFT: "Tolerated"; PolyPhen-2: "Benign"; Align-GVGD: "Class C0". The arginine amino acid residue is found in multiple mammalian species, which suggests that this missense change does not adversely affect protein function. In summary, the available evidence is currently insufficient to determine the role of this variant in disease. Therefore, it has been classified as a Variant of Uncertain Significance. This variant has not been reported in the literature in individuals affected with RTEL1-related conditions. This variant is not present in population databases (gnomAD no frequency). This sequence change replaces glycine, which is neutral and non-polar, with arginine, which is basic and polar, at codon 810 of the RTEL1 protein (p.Gly810Arg).

NM_001283009.2(RTEL1):c.2428G>C (p.Gly810Arg)

Genes: RTEL1 (regulator of telomere elongation helicase 1; plus strand), RTEL1-TNFRSF6B (RTEL1-TNFRSF6B readthrough (NMD candidate); plus strand). Cytogenetic location: 20q13.33.
Variant type: single nucleotide variant.
Coding change: c.2428G>C on transcript NM_001283009.2 (MANE Select); coding-DNA position 2428, G replaced by C.
Protein change: p.Gly810Arg; replaces glycine 810 with arginine.
Molecular consequence: missense variant. On other transcripts: non-coding transcript variant (1).
Genome position (GRCh38, 1-based): chr20:63,690,819, G>C. VCF-style: chr20-63690819-G-C. GRCh37 (hg19) VCF-style: chr20-62322172-G-C.
Other names: c.1759G>C, p.Gly587Arg (NM_001283010.1); c.2428G>C, p.Gly810Arg (NM_016434.4); c.2500G>C, p.Gly834Arg (NM_032957.5); short protein forms G810R, G834R, G587R.
Identifiers: ClinVar variation 1992262 (VCV001992262.4), dbSNP rs545613984, ClinGen allele CA409681390.
Genomic context (GRCh38, chr20:63,690,819, plus strand): 5'-CTGGGGCCCCCCGTGGGCTTCACTGCGCACTCGGGTGCCCCTGCAGGGTCACCAGCTGCC[G>C]GGGACCCCGAGAGTAGCCTGTGTGTGGAGTATGAGCAGGAGCCAGTTCCTGCCCGGCAGA-3'
Protein context (NP_001269938.1, residues 800-820): KQRSSGSPAA[Gly810Arg]DPESSLCVEY